The following is an entry in ClinVar:

NM_000069.3(CACNA1S):c.5516C>A (p.Pro1839Gln)

Gene: CACNA1S (calcium voltage-gated channel subunit alpha1 S; minus strand). Cytogenetic location: 1q32.1.
Variant type: single nucleotide variant.
Coding change: c.5516C>A on transcript NM_000069.3 (MANE Select); coding-DNA position 5516, C replaced by A.
Protein change: p.Pro1839Gln; replaces proline 1839 with glutamine.
Molecular consequence: missense variant.
Genome position (GRCh38, 1-based): chr1:201,039,937, G>T on the plus strand (C>A on the coding strand, the complement: CACNA1S is on the minus strand). VCF-style: chr1-201039937-G-T. GRCh37 (hg19) VCF-style: chr1-201009065-G-T.
Other names: short protein forms P1839Q.
Identifiers: ClinVar variation 3602879 (VCV003602879.1).
Genomic context (GRCh38, chr1:201,039,937, plus strand): 5'-TCGAGGCTGCCCAGGGAGGACCCGAGGTTCAGGCATCCCAGGGAGCTGGCCATGCCCTCT[G>T]GGGCCTCTCGTCCTTTCAGTAGCTCTGTTGCCATGATCTCCACTTCCTCTGGTTCCATTT-3'
Protein context (NP_000060.2, residues 1829-1849): ATELLKGREA[Pro1839Gln]EGMASSLGCL

ClinVar aggregate classification (germline): Uncertain significance (1 of 4 stars; one submission).

Submission:

GeneDx
Classification: Uncertain significance. Last evaluated: 2024-08-09. Review status: criteria provided, single submitter. Criteria: GeneDx Variant Classification Process June 2021. Collection method: clinical testing. Allele origin: germline. Affected: yes.
Comment: Not observed at significant frequency in large population cohorts (gnomAD); In silico analysis indicates that this missense variant does not alter protein structure/function; Has not been previously published as pathogenic or benign to our knowledge